The following is an entry in ClinVar:

NM_031889.3(ENAM):c.3072T>C (p.Pro1024=)

Gene: ENAM (enamelin; plus strand). Cytogenetic location: 4q13.3.
Variant type: single nucleotide variant.
Coding change: c.3072T>C on transcript NM_031889.3 (MANE Select); coding-DNA position 3072, T replaced by C.
Protein change: p.Pro1024=; no amino-acid change (proline 1024 retained).
Molecular consequence: synonymous variant.
Genome position (GRCh38, 1-based): chr4:70,644,498, T>C. VCF-style: chr4-70644498-T-C. GRCh37 (hg19) VCF-style: chr4-71510215-T-C.
Other names: c.2418T>C, p.Pro806= (NM_001368133.1).
Identifiers: ClinVar variation 904267 (VCV000904267.30), dbSNP rs138729240, ClinGen allele CA2952403.

ClinVar aggregate classification (germline): Conflicting classifications of pathogenicity. Review status: criteria provided, conflicting classifications (1 of 4 stars). 4 submissions from 4 submitters: Uncertain significance (2); Likely benign (2). Last evaluated 2024-11-20.

Conditions:
Amelogenesis imperfecta (AI). Also called: Congenital enamel hypoplasia. Identifiers: Orphanet 88661, MedGen C0002452, MONDO:0019507, HP:0000705.

Allele frequency attached by ClinVar (database versions not stated): ESP Exome Variant Server 0.00092; gnomAD exomes 0.00129 and 0.00207; gnomAD 0.00131 and 0.00141; TOPMed 0.00161; ExAC 0.00213; 1000 Genomes Project 0.00300; 1000 Genomes Project 30x 0.00328.
gnomAD v4.1: 2,198 of 1,614,120 alleles (0.14%); highest among the groups gnomAD compares: Middle Eastern, 1.2%; 12 homozygotes.

Submissions (4):

Blueprint Genetics
Classification: Likely benign. Last evaluated: 2024-11-20. Review status: criteria provided, single submitter. Criteria: ACMG Guidelines, 2015. Collection method: clinical testing. Allele origin: germline.

CeGaT Center for Human Genetics Tuebingen
Classification: Likely benign. Last evaluated: 2022-03-01. Review status: criteria provided, single submitter. Criteria: CeGaT Center For Human Genetics Tuebingen Variant Classification Criteria Version 2. Collection method: clinical testing. Allele origin: germline. Affected: yes. Observed: 1 variant allele.
Comment: ENAM: BP4, BP7

Illumina Laboratory Services, Illumina
Classification: Uncertain significance for Amelogenesis imperfecta. Last evaluated: 2018-01-13. Review status: criteria provided, single submitter. Criteria: ICSL Variant Classification Criteria 13 December 2019. Collection method: clinical testing. Allele origin: germline.

Breakthrough Genomics
Classification: Uncertain significance. Review status: criteria provided, single submitter. Criteria: ACMG Guidelines, 2015. Collection method: not provided. Allele origin: germline. Inheritance: Autosomal recessive inheritance. Affected: yes.